The following is an entry in ClinVar:

ClinVar aggregate classification (germline): Conflicting classifications of pathogenicity. Review status: criteria provided, conflicting classifications (1 of 4 stars). 16 submissions from 16 submitters: Uncertain significance (8); Benign (1); Likely benign (2). 5 of the submissions do not count toward it. Last evaluated 2026-01-08.

Conditions:
Pancreatic cancer, susceptibility to, 3. Identifiers: Orphanet 1333, MedGen C3150547, MONDO:0013236, OMIM 613348.
Fanconi anemia complementation group N. Also called: PALB2-Related Fanconi Anemia. Identifiers: Orphanet 84, MedGen C1835817, MONDO:0012565, OMIM 610832. Disease mechanism: loss of function.
Breast-ovarian cancer, familial, susceptibility to, 5 (BROVCA5). Identifiers: MedGen C5830615, MONDO:0957530, OMIM 620442.
PALB2-related disorder. Also called: PALB2-related condition; PALB2-related disorders.
Hereditary cancer-predisposing syndrome. Also called: Tumor predisposition; Hereditary Cancer Syndrome; Neoplastic Syndromes, Hereditary; Hereditary neoplastic syndrome. Identifiers: Orphanet 140162, MedGen C0027672, MeSH D009386, MONDO:0015356.
Breast-ovarian cancer, familial, susceptibility to, 2 (BROVCA2). Also called: BRCA2 Hereditary Breast and Ovarian Cancer. Identifiers: Orphanet 145, MedGen C2675520, MONDO:0012933, OMIM 612555. Disease mechanism: loss of function.
Familial cancer of breast. Also called: BREAST CANCER, FAMILIAL; Hereditary breast cancer; hereditary breast carcinoma. Identifiers: Orphanet 227535, MedGen C0346153, MONDO:0016419, OMIM 114480. Disease mechanism: loss of function.

Allele frequency attached by ClinVar (database versions not stated): gnomAD 0.00001; 1000 Genomes Project 30x 0.00016; 1000 Genomes Project 0.00020.
gnomAD v4.1: 22 of 1,611,734 alleles (0.0014%); highest among the groups gnomAD compares: East Asian, 0.0067%; no homozygotes.

Submissions (16):

Labcorp Genetics (formerly Invitae), Labcorp
Classification: Uncertain significance for Familial cancer of breast. Last evaluated: 2026-01-08. Review status: criteria provided, single submitter. Criteria: Invitae Variant Classification Sherloc (09022015). Collection method: clinical testing. Allele origin: germline.
Comment: This sequence change replaces arginine, which is basic and polar, with histidine, which is basic and polar, at codon 566 of the PALB2 protein (p.Arg566His). This variant is present in population databases (rs144617793, gnomAD 0.007%). This missense change has been observed in individual(s) with breast cancer (PMID: 30287823). ClinVar contains an entry for this variant (Variation ID: 128122). Invitae Evidence Modeling of protein sequence and biophysical properties (such as structural, functional, and spatial information, amino acid conservation, physicochemical variation, residue mobility, and thermodynamic stability) indicates that this missense variant is not expected to disrupt PALB2 protein function with a negative predictive value of 80%. In summary, the available evidence is currently insufficient to determine the role of this variant in disease. Therefore, it has been classified as a Variant of Uncertain Significance.

Center for Genomic Medicine, Rigshospitalet, Copenhagen University Hospital
Classification: Uncertain significance. Last evaluated: 2025-03-04. Review status: criteria provided, single submitter. Criteria: ACMG Guidelines, 2015. Collection method: clinical testing. Allele origin: germline.

Fulgent Genetics
Classification: Uncertain significance for Fanconi anemia complementation group N; Pancreatic cancer, susceptibility to, 3; Breast-ovarian cancer, familial, susceptibility to, 5. Last evaluated: 2024-02-09. Review status: criteria provided, single submitter. Criteria: ACMG Guidelines, 2015. Collection method: clinical testing. Allele origin: germline.

GeneDx
Classification: Uncertain significance. Last evaluated: 2023-12-28. Review status: criteria provided, single submitter. Criteria: GeneDx Variant Classification Process June 2021. Collection method: clinical testing. Allele origin: germline. Affected: yes.
Comment: In silico analysis supports that this missense variant does not alter protein structure/function; This variant is associated with the following publications: (PMID: 22895193, 28779002, 30287823, 33309985, 33471991, 37760409)

Department of Pathology and Laboratory Medicine, Sinai Health System
Classification: Uncertain significance for Breast-ovarian cancer, familial, susceptibility to, 5. Last evaluated: 2023-08-29. Review status: criteria provided, single submitter. Criteria: ACMG Guidelines, 2015. Collection method: clinical testing. Allele origin: germline. Affected: yes.

Women's Health and Genetics/Laboratory Corporation of America, LabCorp
Classification: Uncertain significance. Last evaluated: 2023-06-12. Review status: criteria provided, single submitter. Criteria: LabCorp Variant Classification Summary - May 2015. Collection method: clinical testing. Allele origin: germline.
Comment: Variant summary: PALB2 c.1697G>A (p.Arg566His) results in a non-conservative amino acid change in the encoded protein sequence. Four of five in-silico tools predict a benign effect of the variant on protein function. The variant allele was found at a frequency of 2.5e-05 in 400498 control chromosomes (gnomAD). This frequency is not significantly higher than estimated for a pathogenic variant in PALB2 causing Hereditary Breast And Ovarian Cancer Syndrome (2.5e-05 vs 0.00016), allowing no conclusion about variant significance. c.1697G>A has been reported in the literature in individuals affected with breast cancer without strong evidence of causality, as well as unaffected controls (Momozawa_2018, Dorling_2021, Fujita_2022). These reports do not provide unequivocal conclusions about association of the variant with Hereditary Breast And Ovarian Cancer Syndrome. To our knowledge, no experimental evidence demonstrating an impact on protein function has been reported. The following publications have been ascertained in the context of this evaluation (PMID: 30287823, 33309985, 33471991). Eight submitters have provided clinical-significance assessments for this variant to ClinVar after 2014 without evidence for independent evaluation, and classified it as benign/likely benign (n=3) or uncertain significance (n=5). Based on the evidence outlined above, the variant was classified as uncertain significance.

Sema4
Classification: Uncertain significance for Hereditary cancer-predisposing syndrome. Last evaluated: 2021-12-16. Review status: criteria provided, single submitter. Criteria: Sema4 Curation Guidelines. Collection method: curation. Allele origin: germline.
Comment: The PALB2 c.1697G>A (p.R566H) variant has been reported in individuals with breast cancer, and has also been reported in healthy controls (PMID: 33471991, 30287823, 28779002). It was observed in 2/30142 chromosomes of the South Asian subpopulation in the large and broad cohorts of the Genome Aggregation Database (PMID: 32461654). The variant has been reported in ClinVar (Variation ID: 128122). In silico tools suggest the impact of the variant on protein function is benign, though these predictions have not been confirmed by functional studies. There is no indication that this variant causes disease, but the evidence is insufficient currently to prove that conclusively. Thus, the clinical significance of this variant is currently uncertain.

Quest Diagnostics Nichols Institute San Juan Capistrano
Classification: Uncertain significance. Last evaluated: 2020-11-20. Review status: criteria provided, single submitter. Criteria: Quest Diagnostics criteria. Collection method: clinical testing. Allele origin: unknown.

Color Diagnostics, LLC DBA Color Health
Classification: Likely benign for Hereditary cancer-predisposing syndrome. Last evaluated: 2019-10-02. Review status: criteria provided, single submitter. Criteria: ACMG Guidelines, 2015. Collection method: clinical testing. Allele origin: germline.

Ambry Genetics
Classification: Likely benign for Hereditary cancer-predisposing syndrome. Last evaluated: 2018-02-22. Review status: criteria provided, single submitter. Criteria: Ambry Variant Classification Scheme 2023. Collection method: clinical testing. Allele origin: germline.

Dipartimento Di Medicina Di Precisione, Università Degli Studi Della Campania Luigi Vanvitelli
Classification: Benign for Breast-ovarian cancer, familial, susceptibility to, 2. Review status: criteria provided, single submitter. Criteria: ACMG Guidelines, 2015. Collection method: clinical testing. Allele origin: germline. Inheritance: Autosomal dominant inheritance. Affected: yes. Observed: 1 heterozygote.
Comment: The c.1697G>A (p.Arg566His) variant is a missense change located in exon 4 of the PALB2 gene. Multiple in silico prediction tools indicate a likely benign effect on protein function. The residue is moderately conserved, and no splicing impact is predicted by splicing algorithms. Based on the combined computational evidence and lack of clinical correlation, this variant is classified as benign according to ACMG/AMP criteria (BP4, BP7).

PreventionGenetics, part of Exact Sciences
Classification: Uncertain significance for PALB2-related condition. Last evaluated: 2023-12-13. Review status: no assertion criteria provided. Collection method: clinical testing. Allele origin: germline. Not counted in ClinVar's aggregate classification.
Comment: The PALB2 c.1697G>A variant is predicted to result in the amino acid substitution p.Arg566His. Another large case-control study detected this variant in four individuals with breast cancer but also in two unaffected controls (Breast Cancer Association Consortium et al. 2021. PubMed ID: 33471991). This variant is reported in 0.0066% of alleles in individuals of South Asian descent in gnomAD and has conflicting interpretations in ClinVar ranging from likely benign to uncertain. At this time, the clinical significance of this variant is uncertain due to the absence of conclusive functional and genetic evidence.

Leiden Open Variation Database
Classification: Benign. Last evaluated: 2018-10-10. Review status: no assertion criteria provided. Collection method: curation. Allele origin: germline. Affected: yes. Not counted in ClinVar's aggregate classification.
Comment: Curators: Marc Tischkowitz, Arleen D. Auerbach. Submitter to LOVD: Yukihide Momozawa.

Clinical Genetics Laboratory, Department of Pathology, Netherlands Cancer Institute
Classification: Likely benign. Review status: no assertion criteria provided. Collection method: clinical testing. Allele origin: germline. Affected: yes. Study: VKGL Data-share Consensus. Not counted in ClinVar's aggregate classification.

Genome Diagnostics Laboratory, University Medical Center Utrecht
Classification: Likely benign. Review status: no assertion criteria provided. Collection method: clinical testing. Allele origin: germline. Affected: yes. Study: VKGL Data-share Consensus. Not counted in ClinVar's aggregate classification.

Joint Genome Diagnostic Labs from Nijmegen and Maastricht, Radboudumc and MUMC+
Classification: Likely benign. Review status: no assertion criteria provided. Collection method: clinical testing. Allele origin: germline. Affected: yes. Study: VKGL Data-share Consensus. Not counted in ClinVar's aggregate classification.

Literature cited by the submitters: PubMed 30287823 (cited by 6 submitters); PubMed 33309985 (cited by Women's Health and Genetics/Laboratory Corporation of America, LabCorp); PubMed 33471991 (cited by Women's Health and Genetics/Laboratory Corporation of America, LabCorp and Sema4); PubMed 28779002 (cited by Sema4); PubMed 22895193 (cited by Quest Diagnostics Nichols Institute San Juan Capistrano); DOI 10.3390/ijms26135928 (cited by Dipartimento Di Medicina Di Precisione, Università Degli Studi Della Campania Luigi Vanvitelli).

NM_024675.4(PALB2):c.1697G>A (p.Arg566His)

Gene: PALB2 (partner and localizer of BRCA2; minus strand). Cytogenetic location: 16p12.2.
Variant type: single nucleotide variant.
Coding change: c.1697G>A on transcript NM_024675.4 (MANE Select); coding-DNA position 1697, G replaced by A.
Protein change: p.Arg566His; replaces arginine 566 with histidine.
Molecular consequence: missense variant.
Genome position (GRCh38, 1-based): chr16:23,630,457, C>T on the plus strand (G>A on the coding strand, the complement: PALB2 is on the minus strand). VCF-style: chr16-23630457-C-T. GRCh37 (hg19) VCF-style: chr16-23641778-C-T.
Other names: p.R566H:CGT>CAT; (p.Arg566His); short protein forms R566H.
Identifiers: ClinVar variation 128122 (VCV000128122.36), dbSNP rs144617793, ClinGen allele CA288413.